The following is an entry in ClinVar:

ClinVar aggregate classification (germline): Uncertain significance. Review status: criteria provided, multiple submitters, no conflicts (2 of 4 stars). 3 submissions from 3 submitters: Uncertain significance (3). Last evaluated 2025-03-18.

Conditions:
TULP1-related disorder. Also called: TULP1-related condition; TULP1-related disorders.
Inborn genetic diseases. Identifiers: MedGen C0950123, MeSH D030342.

Allele frequency attached by ClinVar (database versions not stated): gnomAD exomes below 0.00001; ExAC 0.00002.

Submissions (3):

PreventionGenetics, part of Exact Sciences
Classification: Uncertain significance for TULP1-related condition. Last evaluated: 2025-03-18. Review status: criteria provided, single submitter. Criteria: ACMG Guidelines, 2015. Collection method: clinical testing. Allele origin: germline.
Comment: The TULP1 c.688A>T variant is predicted to result in the amino acid substitution p.Ser230Cys. To our knowledge, this variant has not been reported in the literature. This variant is reported in 0.0098% of alleles in individuals of South Asian descent in gnomAD. At this time, the clinical significance of this variant is uncertain due to the absence of conclusive functional and genetic evidence.

Ambry Genetics
Classification: Uncertain significance for Inborn genetic diseases. Last evaluated: 2021-09-01. Review status: criteria provided, single submitter. Criteria: Ambry Variant Classification Scheme 2023. Collection method: clinical testing. Allele origin: germline.

Blueprint Genetics
Classification: Uncertain significance. Last evaluated: 2019-04-12. Review status: criteria provided, single submitter. Criteria: ACMG Guidelines, 2015. Collection method: clinical testing. Allele origin: germline.

NM_003322.6(TULP1):c.688A>T (p.Ser230Cys)

Gene: TULP1 (TUB like protein 1; minus strand). Cytogenetic location: 6p21.31.
Variant type: single nucleotide variant.
Coding change: c.688A>T on transcript NM_003322.6 (MANE Select); coding-DNA position 688, A replaced by T.
Protein change: p.Ser230Cys; replaces serine 230 with cysteine.
Molecular consequence: missense variant.
Genome position (GRCh38, 1-based): chr6:35,509,664, T>A on the plus strand (A>T on the coding strand, the complement: TULP1 is on the minus strand). VCF-style: chr6-35509664-T-A. GRCh37 (hg19) VCF-style: chr6-35477441-T-A.
Other names: c.529A>T, p.Ser177Cys (NM_001289395.2); c.688A>T (NM_003322.5); short protein forms S230C, S177C.
Identifiers: ClinVar variation 3184860 (VCV003184860.3), dbSNP rs763244026, ClinGen allele CA3772841.